The following is an entry in ClinVar:

ClinVar aggregate classification (germline): Uncertain significance. Review status: criteria provided, multiple submitters, no conflicts (2 of 4 stars). 2 submissions from 2 submitters: Uncertain significance (2). Last evaluated 2025-11-17.

Conditions:
Hereditary cancer-predisposing syndrome. Also called: Tumor predisposition; Neoplastic Syndromes, Hereditary; Hereditary Cancer Syndrome; Hereditary neoplastic syndrome. Identifiers: Orphanet 140162, MedGen C0027672, MeSH D009386, MONDO:0015356.
Tuberous sclerosis 2 (TSC2). Identifiers: Orphanet 805, MedGen C1860707, MONDO:0013199, OMIM 613254.

Submissions (2):

Labcorp Genetics (formerly Invitae), Labcorp
Classification: Uncertain significance for Tuberous sclerosis 2. Last evaluated: 2025-11-17. Review status: criteria provided, single submitter. Criteria: Invitae Variant Classification Sherloc (09022015). Collection method: clinical testing. Allele origin: germline.
Comment: This sequence change falls in intron 17 of the TSC2 gene. It does not directly change the encoded amino acid sequence of the TSC2 protein. It affects a nucleotide within the consensus splice site. This variant is not present in population databases (gnomAD no frequency). This variant has not been reported in the literature in individuals affected with TSC2-related conditions. ClinVar contains an entry for this variant (Variation ID: 3974597). Variants that disrupt the consensus splice site are a relatively common cause of aberrant splicing (PMID: 17576681, 9536098). Algorithms developed to predict the effect of sequence changes on RNA splicing suggest that this variant is not likely to affect RNA splicing. In summary, the available evidence is currently insufficient to determine the role of this variant in disease. Therefore, it has been classified as a Variant of Uncertain Significance.

Ambry Genetics
Classification: Uncertain significance for Hereditary cancer-predisposing syndrome. Last evaluated: 2025-05-20. Review status: criteria provided, single submitter. Criteria: Ambry Variant Classification Scheme 2023. Collection method: clinical testing. Allele origin: germline.
Comment: The c.1839+4dupT intronic variant is located 4 nucleotides after coding exon 16 of the TSC2 gene. This variant results from a duplication of one nucleotide at position c.1839+4. This nucleotide position is not well conserved in available vertebrate species. In silico splice site analysis predicts that this alteration will not have any significant effect on splicing. Based on the available evidence, the clinical significance of this variant remains unclear.

Literature cited by the submitters: PubMed 17576681 (cited by Labcorp Genetics (formerly Invitae), Labcorp); PubMed 9536098 (cited by Labcorp Genetics (formerly Invitae), Labcorp).

NM_000548.5(TSC2):c.1839+4dup

Gene: TSC2 (TSC complex subunit 2; plus strand). Cytogenetic location: 16p13.3.
Variant type: Duplication.
Coding change: c.1839+4dup on transcript NM_000548.5 (MANE Select); 4 bases into the intron after coding-DNA position 1839, one base duplicated (T; older notation c.1839+4dupT).
Molecular consequence: intron variant.
Genome position (GRCh38, 1-based): chr16:2,070,582, T duplicated. VCF-style (leftmost placement, unchanged base first): chr16-2070581-A-AT. GRCh37 (hg19) VCF-style: chr16-2120582-A-AT.
Other names: c.495+4dup (NM_001406693.1, NM_001406689.1, NM_001406690.1 and 6 more transcripts); c.1929+4dup (NM_001406667.1, NM_001406668.1); c.1239+4dup (NM_001406680.1, NM_001406683.1, NM_001406687.1 and 6 more transcripts); c.237+4dup (NM_001406698.1); c.1839+4dup (NM_001114382.3, NM_001406663.1, NM_001406664.1 and 6 more transcripts); c.1827+4dup (NM_001406671.1, NM_001406673.1); c.1377+4dup (NM_001406681.1); c.1728+4dup (NM_001406670.1, NM_001318827.2, NM_001406678.1); and 3 more.
Identifiers: ClinVar variation 3974597 (VCV003974597.2).